The following is an entry in ClinVar:

ClinVar aggregate classification (germline): Uncertain significance (1 of 4 stars; one submission).

Conditions:
Hyperaldosteronism, familial, type IV (HALD4). Also called: FH IV; ALDOSTERONISM, PRIMARY, AND HYPERTENSION. Identifiers: Orphanet 642671, MedGen C4310756, MONDO:0014875, OMIM 617027.
Idiopathic generalized epilepsy. Also called: EIG; Generalised epilepsy. Identifiers: MedGen C0270850, MONDO:0005579, OMIM 600669.

gnomAD v4.1: 2 of 1,612,732 alleles (0.00012%); highest among the groups gnomAD compares: South Asian, 0.0011%; no homozygotes.

Submission:

Labcorp Genetics (formerly Invitae), Labcorp
Classification: Uncertain significance for Idiopathic generalized epilepsy; Hyperaldosteronism, familial, type IV. Last evaluated: 2024-10-16. Review status: criteria provided, single submitter. Criteria: Invitae Variant Classification Sherloc (09022015). Collection method: clinical testing. Allele origin: germline.
Comment: This sequence change replaces leucine, which is neutral and non-polar, with valine, which is neutral and non-polar, at codon 993 of the CACNA1H protein (p.Leu993Val). This variant is not present in population databases (gnomAD no frequency). This variant has not been reported in the literature in individuals affected with CACNA1H-related conditions. ClinVar contains an entry for this variant (Variation ID: 1477487). Invitae Evidence Modeling of protein sequence and biophysical properties (such as structural, functional, and spatial information, amino acid conservation, physicochemical variation, residue mobility, and thermodynamic stability) indicates that this missense variant is expected to disrupt CACNA1H protein function with a positive predictive value of 80%. In summary, the available evidence is currently insufficient to determine the role of this variant in disease. Therefore, it has been classified as a Variant of Uncertain Significance.

NM_021098.3(CACNA1H):c.2977C>G (p.Leu993Val)

Gene: CACNA1H (calcium voltage-gated channel subunit alpha1 H; plus strand). Cytogenetic location: 16p13.3.
Variant type: single nucleotide variant.
Coding change: c.2977C>G on transcript NM_021098.3 (MANE Select); coding-DNA position 2977, C replaced by G.
Protein change: p.Leu993Val; replaces leucine 993 with valine.
Molecular consequence: missense variant.
Genome position (GRCh38, 1-based): chr16:1,207,344, C>G. VCF-style: chr16-1207344-C-G. GRCh37 (hg19) VCF-style: chr16-1257344-C-G.
Other names: c.2977C>G, p.Leu993Val (NM_001005407.2); short protein forms L993V.
Identifiers: ClinVar variation 1477487 (VCV001477487.8), dbSNP rs1265393669, ClinGen allele CA394170373.